The following is an entry in ClinVar:

ClinVar aggregate classification (germline): Uncertain significance (1 of 4 stars; one submission).

Conditions:
Nephronophthisis. Also called: Juvenile Nephronophthisis. Identifiers: Orphanet 655, MedGen C0687120, MONDO:0019005, HP:0000090.

Submissions (2):

Labcorp Genetics (formerly Invitae), Labcorp
Classification: Uncertain significance for Nephronophthisis. Last evaluated: 2017-02-01. Review status: criteria provided, single submitter. Criteria: Invitae Variant Classification Sherloc (09022015). Collection method: clinical testing. Allele origin: germline.
Comment: This variant is not present in population databases (ExAC no frequency) and has not been reported in the literature in individuals with a NPHP4-related disease. In summary, this is a novel silent change with uncertain impact on splicing. It has been classified as a Variant of Uncertain Significance. Algorithms developed to predict the effect of sequence changes on RNA splicing suggest that this variant may alter RNA splicing, but this prediction has not been confirmed by published transcriptional studies. This sequence change affects codon 68 of the NPHP4 mRNA. It is a 'silent' change, meaning that it does not change the encoded amino acid sequence of the NPHP4 protein.

Dr. Peter K. Rogan Lab, Western University
No classification provided (evidence only). Condition: Thyroid cancer, nonmedullary, 1. Review status: no classification provided. Collection method: in vitro. Allele origin: not applicable. Functional consequence: retained intron. Not counted in ClinVar's aggregate classification.

NM_015102.5(NPHP4):c.202C>A (p.Arg68=)

Gene: NPHP4 (nephrocystin 4; minus strand). Cytogenetic location: 1p36.31.
Variant type: single nucleotide variant.
Coding change: c.202C>A on transcript NM_015102.5 (MANE Select); coding-DNA position 202, C replaced by A.
Protein change: p.Arg68=; no amino-acid change (arginine 68 retained).
Molecular consequence: synonymous variant. On other transcripts: 5 prime UTR variant (1), non-coding transcript variant (1), intron variant (1).
Genome position (GRCh38, 1-based): chr1:5,978,347, G>T on the plus strand (C>A on the coding strand, the complement: NPHP4 is on the minus strand). VCF-style: chr1-5978347-G-T. GRCh37 (hg19) VCF-style: chr1-6038407-G-T.
Other names: c.-1028C>A (NM_001291593.2); c.-1087-9088C>A (NM_001291594.2).
Identifiers: ClinVar variation 462716 (VCV000462716.9), dbSNP rs771873685, ClinGen allele CA415786168.